The following is an entry in ClinVar:

ClinVar aggregate classification (germline): Uncertain significance (1 of 4 stars; one submission).

Conditions:
Gastrointestinal stromal tumor. Also called: Gastrointestinal stroma tumor; Gastrointestinal stromal tumor, somatic. Identifiers: Orphanet 44890, MedGen C0238198, MeSH D046152, MONDO:0011719, OMIM 606764, HP:0100723.

Submission:

Labcorp Genetics (formerly Invitae), Labcorp
Classification: Uncertain significance for Gastrointestinal stromal tumor. Last evaluated: 2025-11-19. Review status: criteria provided, single submitter. Criteria: Invitae Variant Classification Sherloc (09022015). Collection method: clinical testing. Allele origin: germline.
Comment: This sequence change falls in intron 18 of the KIT gene. It does not directly change the encoded amino acid sequence of the KIT protein. It affects a nucleotide within the consensus splice site. This variant is not present in population databases (gnomAD no frequency). This variant has not been reported in the literature in individuals affected with KIT-related conditions. ClinVar contains an entry for this variant (Variation ID: 458924). Variants that disrupt the consensus splice site are a relatively common cause of aberrant splicing (PMID: 17576681, 9536098). Algorithms developed to predict the effect of sequence changes on RNA splicing suggest that this variant is not likely to affect RNA splicing. In summary, the available evidence is currently insufficient to determine the role of this variant in disease. Therefore, it has been classified as a Variant of Uncertain Significance.

Literature cited by the submitters: PubMed 17576681; PubMed 9536098.

NM_000222.3(KIT):c.2597-3C>T

Gene: KIT (KIT proto-oncogene, receptor tyrosine kinase; plus strand). Cytogenetic location: 4q12.
Variant type: single nucleotide variant.
Coding change: c.2597-3C>T on transcript NM_000222.3 (MANE Select); 3 bases into the intron before coding-DNA position 2597, C replaced by T.
Molecular consequence: intron variant.
Genome position (GRCh38, 1-based): chr4:54,736,718, C>T. VCF-style: chr4-54736718-C-T. GRCh37 (hg19) VCF-style: chr4-55602884-C-T.
Other names: c.2600-3C>T (NM_001385284.1); c.2597-3C>T (NM_001385290.1); c.2588-3C>T (NM_001385288.1); c.2585-3C>T (NM_001385292.1, NM_001093772.2); c.2594-3C>T (NM_001385285.1); c.2582-3C>T (NM_001385286.1).
Identifiers: ClinVar variation 458924 (VCV000458924.9), dbSNP rs1553893476, ClinGen allele CA658655855.